The following is an entry in ClinVar:

NM_000017.4(ACADS):c.259G>A (p.Glu87Lys)

Gene: ACADS (acyl-CoA dehydrogenase short chain; plus strand). Cytogenetic location: 12q24.31.
Variant type: single nucleotide variant.
Coding change: c.259G>A on transcript NM_000017.4 (MANE Select); coding-DNA position 259, G replaced by A.
Protein change: p.Glu87Lys; replaces glutamic acid 87 with lysine.
Molecular consequence: missense variant.
Genome position (GRCh38, 1-based): chr12:120,737,034, G>A. VCF-style: chr12-120737034-G-A. GRCh37 (hg19) VCF-style: chr12-121174837-G-A.
Other names: c.259G>A, p.Glu87Lys (NM_001302554.2); short protein forms E87K.
Identifiers: ClinVar variation 2892591 (VCV002892591.3), dbSNP rs2501188104, ClinGen allele CA386614022.

ClinVar aggregate classification (germline): Uncertain significance (1 of 4 stars; one submission).

Conditions:
Deficiency of butyryl-CoA dehydrogenase (ACADSD). Also called: ACADS DEFICIENCY; SCAD Deficiency; Short-Chain Acyl-CoA Dehydrogenase Deficiency; SCAD DEFICIENCY, MILD; ACYL-CoA DEHYDROGENASE, SHORT-CHAIN, DEFICIENCY OF; SCADH DEFICIENCY. Identifiers: Orphanet 26792, MedGen C0342783, MONDO:0008722, OMIM 201470. Disease mechanism: May be benign.

Allele frequency attached by ClinVar (database versions not stated): gnomAD exomes below 0.00001.
gnomAD v4.1: 4 of 1,610,430 alleles (0.00025%); highest among the groups gnomAD compares: Admixed American, 0.0017%; no homozygotes.

Submission:

Labcorp Genetics (formerly Invitae), Labcorp
Classification: Uncertain significance for Deficiency of butyryl-CoA dehydrogenase. Last evaluated: 2022-11-17. Review status: criteria provided, single submitter. Criteria: Invitae Variant Classification Sherloc (09022015). Collection method: clinical testing. Allele origin: germline.
Comment: This variant is not present in population databases (gnomAD no frequency). In summary, the available evidence is currently insufficient to determine the role of this variant in disease. Therefore, it has been classified as a Variant of Uncertain Significance. Advanced modeling of protein sequence and biophysical properties (such as structural, functional, and spatial information, amino acid conservation, physicochemical variation, residue mobility, and thermodynamic stability) has been performed at Invitae for this missense variant, however the output from this modeling did not meet the statistical confidence thresholds required to predict the impact of this variant on ACADS protein function. This variant has not been reported in the literature in individuals affected with ACADS-related conditions. This sequence change replaces glutamic acid, which is acidic and polar, with lysine, which is basic and polar, at codon 87 of the ACADS protein (p.Glu87Lys).